The following is an entry in ClinVar:

ClinVar aggregate classification (germline): Uncertain significance (1 of 4 stars; one submission).

Conditions:
Lethal congenital glycogen storage disease of heart. Also called: PHOSPHORYLASE KINASE DEFICIENCY OF HEART; GLYCOGEN STORAGE DISEASE OF HEART. Identifiers: Orphanet 439854, MedGen C1849813, MONDO:0009867, OMIM 261740.

Submission:

Labcorp Genetics (formerly Invitae), Labcorp
Classification: Uncertain significance for Lethal congenital glycogen storage disease of heart. Last evaluated: 2023-07-19. Review status: criteria provided, single submitter. Criteria: Invitae Variant Classification Sherloc (09022015). Collection method: clinical testing. Allele origin: germline.
Comment: In summary, the available evidence is currently insufficient to determine the role of this variant in disease. Therefore, it has been classified as a Variant of Uncertain Significance. This variant has not been reported in the literature in individuals affected with PRKAG2-related conditions. This variant is not present in population databases (gnomAD no frequency). This sequence change creates a premature translational stop signal (p.Lys290Asnfs*6) in the PRKAG2 gene. It is expected to result in an absent or disrupted protein product. However, the current clinical and genetic evidence is not sufficient to establish whether loss-of-function variants in PRKAG2 cause disease.

NM_016203.4(PRKAG2):c.870_876del (p.Lys290fs)

Gene: PRKAG2 (protein kinase AMP-activated non-catalytic subunit gamma 2; minus strand). Cytogenetic location: 7q36.1.
Variant type: Deletion.
Coding change: c.870_876del on transcript NM_016203.4 (MANE Select); coding-DNA positions 870 to 876, 7 bases deleted (AAAGGCC; older notation c.870_876delAAAGGCC).
Protein change: p.Lys290fs; shifts the reading frame from lysine 290.
Molecular consequence: frameshift variant.
Genome position (GRCh38, 1-based): chr7:151,576,441-151,576,447, GGCCTTT deleted on the plus strand (AAAGGCC on the coding strand, the reverse complement: PRKAG2 is on the minus strand). VCF-style (leftmost placement, unchanged base first): chr7-151576440-AGGCCTTT-A. GRCh37 (hg19) VCF-style: chr7-151273526-AGGCCTTT-A.
Other names: c.738_744del, p.Lys246fs (NM_001040633.2, NM_001407024.1); c.495_501del, p.Lys165fs (NM_001304527.2, NM_001407029.1); c.147_153del, p.Lys49fs (NM_001304531.2, NM_001407034.1, NM_001407035.1 and 1 more transcripts); c.498_504del, p.Lys166fs (NM_001363698.2, NM_001407028.1); c.870_876del, p.Lys290fs (NM_001407021.1); c.867_873del, p.Lys289fs (NM_001407022.1, NM_001407023.1); c.579_585del, p.Lys193fs (NM_001407031.1); c.552_558del, p.Lys184fs (NM_001407032.1); and 6 more; short protein forms K194fs, K246fs, K166fs, K184fs, K193fs, K49fs, K69fs, K165fs.
Identifiers: ClinVar variation 2745337 (VCV002745337.3), dbSNP rs2536414190, ClinGen allele CA2697549710.
Genomic context (GRCh38, chr7:151,576,440, plus strand): 5'-TTTGTTTTTTACTCTCCCACAGTGGCGCTGCTCGGACACCGTTGGCTACCAAAGCAAAGA[AGGCCTTT>A]TTAACCTGAAGAAAAAGAGGAGAAACAAAACATACTTTCAAAGTCCAGGAAGAAAAATAC-3'